The following is an entry in ClinVar:

ClinVar aggregate classification (germline): Uncertain significance (1 of 4 stars; one submission).

Conditions:
CYP7B1-related disorder. Also called: CYP7B1-related condition.

gnomAD v4.1: 2 of 1,613,740 alleles (0.00012%); highest among the groups gnomAD compares: Non-Finnish European, 0.000085%; no homozygotes.

Submission:

PreventionGenetics, part of Exact Sciences
Classification: Uncertain significance for CYP7B1-related condition. Last evaluated: 2026-09-13. Review status: criteria provided, single submitter. Criteria: ACMG Guidelines, 2015. Collection method: clinical testing. Allele origin: germline.
Comment: The CYP7B1 c.676T>A variant is predicted to result in the amino acid substitution p.Leu226Ile. To our knowledge, this variant has not been reported in the literature or in a large population database (gnomAD), indicating this variant is rare. At this time, the clinical significance of this variant is uncertain due to the absence of conclusive functional and genetic evidence.

NM_004820.5(CYP7B1):c.676T>A (p.Leu226Ile)

Gene: CYP7B1 (cytochrome P450 family 7 subfamily B member 1; minus strand). Cytogenetic location: 8q12.3.
Variant type: single nucleotide variant.
Coding change: c.676T>A on transcript NM_004820.5 (MANE Select); coding-DNA position 676, T replaced by A.
Protein change: p.Leu226Ile; replaces leucine 226 with isoleucine.
Molecular consequence: missense variant.
Genome position (GRCh38, 1-based): chr8:64,615,865, A>T on the plus strand (T>A on the coding strand, the complement: CYP7B1 is on the minus strand). VCF-style: chr8-64615865-A-T. GRCh37 (hg19) VCF-style: chr8-65528422-A-T.
Other names: c.676T>A, p.Leu226Ile (NM_001324112.2); short protein forms L226I.
Identifiers: ClinVar variation 4988700 (VCV004988700.1).
Genomic context (GRCh38, chr8:64,615,865, plus strand): 5'-TAATTTTCTCTCTAATAGACTTGACATTTCCTAGAAGCTCAATGGGTATGTTGGATACTA[A>T]ATATGCAAACTTGTCATCAAATTTTAAAAAATCATCTCTTAGCTCACTAATAAATTTGTT-3'
Protein context (NP_004811.1, residues 216-236): FLKFDDKFAY[Leu226Ile]VSNIPIELLG